The following is an entry in ClinVar:

NM_016034.5(MRPS2):c.71G>A (p.Gly24Asp)

Gene: MRPS2 (mitochondrial ribosomal protein S2; plus strand). Cytogenetic location: 9q34.3.
Variant type: single nucleotide variant.
Coding change: c.71G>A on transcript NM_016034.5 (MANE Select); coding-DNA position 71, G replaced by A.
Protein change: p.Gly24Asp; replaces glycine 24 with aspartic acid.
Molecular consequence: missense variant. On other transcripts: non-coding transcript variant (4).
Genome position (GRCh38, 1-based): chr9:135,501,025, G>A. VCF-style: chr9-135501025-G-A. GRCh37 (hg19) VCF-style: chr9-138392871-G-A.
Other names: c.71G>A (NM_016034.3); c.71G>A, p.Gly24Asp (NM_001371401.1); short protein forms G24D.
Identifiers: ClinVar variation 2197872 (VCV002197872.5), dbSNP rs138860958, ClinGen allele CA5323791.

ClinVar aggregate classification (germline): Uncertain significance. Review status: criteria provided, multiple submitters, no conflicts (2 of 4 stars). 2 submissions from 2 submitters: Uncertain significance (2). Last evaluated 2025-12-01.

Allele frequency attached by ClinVar (database versions not stated): ExAC 0.00008; ESP Exome Variant Server 0.00008; TOPMed 0.00010; gnomAD 0.00012.
gnomAD v4.1: 136 of 1,611,614 alleles (0.0084%); highest among the groups gnomAD compares: Middle Eastern, 0.049%; 1 homozygote.

Submissions (2):

Labcorp Genetics (formerly Invitae), Labcorp
Classification: Uncertain significance. Last evaluated: 2025-12-01. Review status: criteria provided, single submitter. Criteria: Invitae Variant Classification Sherloc (09022015). Collection method: clinical testing. Allele origin: germline.
Comment: This sequence change replaces glycine, which is neutral and non-polar, with aspartic acid, which is acidic and polar, at codon 24 of the MRPS2 protein (p.Gly24Asp). This variant is present in population databases (rs138860958, gnomAD 0.02%). This variant has not been reported in the literature in individuals affected with MRPS2-related conditions. ClinVar contains an entry for this variant (Variation ID: 2197872). An algorithm developed to predict the effect of missense changes on protein structure and function outputs the following: PolyPhen-2: "Benign". The aspartic acid amino acid residue is found in multiple mammalian species, which suggests that this missense change does not adversely affect protein function. In summary, the available evidence is currently insufficient to determine the role of this variant in disease. Therefore, it has been classified as a Variant of Uncertain Significance.

Ambry Genetics
Classification: Uncertain significance. Last evaluated: 2024-03-31. Review status: criteria provided, single submitter. Criteria: Ambry Variant Classification Scheme 2023. Collection method: clinical testing. Allele origin: germline.